The following is an entry in ClinVar:

ClinVar aggregate classification (germline): Pathogenic (1 of 4 stars; one submission).

Conditions:
Neurofibromatosis, type 1 (NF1). Also called: VON RECKLINGHAUSEN DISEASE; Neurofibromatosis, type I; Peripheral type neurofibromatosis; NEUROFIBROMATOSIS, TYPE I, SOMATIC. Identifiers: Orphanet 636, MedGen C0027831, MONDO:0018975, OMIM 162200. Disease mechanism: loss of function.

Submission:

Labcorp Genetics (formerly Invitae), Labcorp
Classification: Pathogenic for Neurofibromatosis, type 1. Last evaluated: 2023-04-06. Review status: criteria provided, single submitter. Criteria: Invitae Variant Classification Sherloc (09022015). Collection method: clinical testing. Allele origin: germline.
Comment: This sequence change creates a premature translational stop signal (p.Glu169Argfs*5) in the NF1 gene. It is expected to result in an absent or disrupted protein product. Loss-of-function variants in NF1 are known to be pathogenic (PMID: 10712197, 23913538). This variant is not present in population databases (gnomAD no frequency). This variant has not been reported in the literature in individuals affected with NF1-related conditions. For these reasons, this variant has been classified as Pathogenic.

Literature cited by the submitters: PubMed 10712197; PubMed 23913538.

NM_001042492.3(NF1):c.503dup (p.Glu169fs)

Gene: NF1 (neurofibromin 1; plus strand). Cytogenetic location: 17q11.2.
Variant type: Duplication.
Coding change: c.503dup on transcript NM_001042492.3 (MANE Select); coding-DNA position 503, one base duplicated (C; older notation c.503dupC).
Protein change: p.Glu169fs; shifts the reading frame from glutamic acid 169.
Molecular consequence: frameshift variant.
Genome position (GRCh38, 1-based): chr17:31,169,914, C duplicated. VCF-style (leftmost placement, unchanged base first): chr17-31169913-T-TC. GRCh37 (hg19) VCF-style: chr17-29496931-T-TC.
Other names: c.503dup, p.Glu169Argfs (NM_000267.4); c.503dup, p.Glu169fs (NM_001128147.3); short protein forms E169fs.
Identifiers: ClinVar variation 2852304 (VCV002852304.3), dbSNP rs2544718812, ClinGen allele CA2739267277.
Genomic context (GRCh38, chr17:31,169,913, plus strand): 5'-CTTAATTTGATAAGTTAATTTTGGTTTTTACTTTTTAGGTTACAGGAATTAACTGTTTGT[T>TC]CAGAAGACAATGTTGATGTTCATGATATAGAATTGTTACAGTATATCAATGTGGATTGTG-3'